The following is an entry in ClinVar:

NM_020987.5(ANK3):c.8563T>C (p.Trp2855Arg)

Gene: ANK3 (ankyrin 3; minus strand). Cytogenetic location: 10q21.2.
Variant type: single nucleotide variant.
Coding change: c.8563T>C on transcript NM_020987.5 (MANE Select); coding-DNA position 8563, T replaced by C.
Protein change: p.Trp2855Arg; replaces tryptophan 2855 with arginine.
Molecular consequence: missense variant. On other transcripts: intron variant (4).
Genome position (GRCh38, 1-based): chr10:60,072,318, A>G on the plus strand (T>C on the coding strand, the complement: ANK3 is on the minus strand). VCF-style: chr10-60072318-A-G. GRCh37 (hg19) VCF-style: chr10-61832076-A-G.
Other names: c.4388-4309T>C (NM_001204403.2); c.4409-4309T>C (NM_001204404.2); c.4406-4309T>C (NM_001320874.2); c.1808-4309T>C (NM_001149.4); short protein forms W2855R.
Identifiers: ClinVar variation 2080760 (VCV002080760.4), dbSNP rs754272097, ClinGen allele CA377007218.

ClinVar aggregate classification (germline): Uncertain significance (1 of 4 stars; one submission).

Submission:

Labcorp Genetics (formerly Invitae), Labcorp
Classification: Uncertain significance. Last evaluated: 2022-07-12. Review status: criteria provided, single submitter. Criteria: Invitae Variant Classification Sherloc (09022015). Collection method: clinical testing. Allele origin: germline.
Comment: This sequence change replaces tryptophan, which is neutral and slightly polar, with arginine, which is basic and polar, at codon 2855 of the ANK3 protein (p.Trp2855Arg). This variant is not present in population databases (gnomAD no frequency). This variant has not been reported in the literature in individuals affected with ANK3-related conditions. Algorithms developed to predict the effect of missense changes on protein structure and function are either unavailable or do not agree on the potential impact of this missense change (SIFT: "Not Available"; PolyPhen-2: "Probably Damaging"; Align-GVGD: "Not Available"). In summary, the available evidence is currently insufficient to determine the role of this variant in disease. Therefore, it has been classified as a Variant of Uncertain Significance.